The following is an entry in ClinVar:

NM_012064.4(MIP):c.494G>A (p.Gly165Asp)

Gene: MIP (major intrinsic protein of lens fiber; minus strand). Cytogenetic location: 12q13.3.
Variant type: single nucleotide variant.
Coding change: c.494G>A on transcript NM_012064.4 (MANE Select); coding-DNA position 494, G replaced by A.
Protein change: p.Gly165Asp; replaces glycine 165 with aspartic acid.
Molecular consequence: missense variant.
Genome position (GRCh38, 1-based): chr12:56,453,622, C>T on the plus strand (G>A on the coding strand, the complement: MIP is on the minus strand). VCF-style: chr12-56453622-C-T. GRCh37 (hg19) VCF-style: chr12-56847406-C-T.
Other names: short protein forms G165D.
Identifiers: ClinVar variation 3345576 (VCV003345576.5).

ClinVar aggregate classification (germline): Likely pathogenic. Review status: criteria provided, single submitter (1 of 4 stars). 2 submissions from 2 submitters: Likely pathogenic (1). 1 of the submissions does not count toward it. Last evaluated 2026-02-01.

Conditions:
MIP-related disorder. Also called: MIP-related condition.

Submissions (2):

CeGaT Center for Human Genetics Tuebingen
Classification: Likely pathogenic. Last evaluated: 2026-02-01. Review status: criteria provided, single submitter. Criteria: CeGaT Center For Human Genetics Tuebingen Variant Classification Criteria Version 2. Collection method: clinical testing. Allele origin: germline. Affected: yes. Observed: 1 variant allele.
Comment: MIP: PP1:Strong, PM2, PS4:Moderate, PS3:Supporting

PreventionGenetics, part of Exact Sciences
Classification: Likely pathogenic for MIP-related condition. Last evaluated: 2024-06-26. Review status: no assertion criteria provided. Collection method: clinical testing. Allele origin: germline. Not counted in ClinVar's aggregate classification.
Comment: The MIP c.494G>A variant is predicted to result in the amino acid substitution p.Gly165Asp. This variant has been reported in patients with cataracts from multiple families, and both functional and segregation studies support its pathogenicity (Senthil Kumar et al. 2013. PubMed ID: 23116563; Li et al. 2018. PubMed ID: 29914532). This variant has not been reported in a large population database, indicating this variant is rare. This variant is interpreted as likely pathogenic.